The following is an entry in ClinVar:

NM_014615.5(GSE1):c.3117G>A (p.Leu1039=)

Gene: GSE1 (Gse1 coiled-coil protein; plus strand). Cytogenetic location: 16q24.1.
Variant type: single nucleotide variant.
Coding change: c.3117G>A on transcript NM_014615.5 (MANE Select); coding-DNA position 3117, G replaced by A.
Protein change: p.Leu1039=; no amino-acid change (leucine 1039 retained).
Molecular consequence: synonymous variant.
Genome position (GRCh38, 1-based): chr16:85,666,334, G>A. VCF-style: chr16-85666334-G-A. GRCh37 (hg19) VCF-style: chr16-85699940-G-A.
Other names: c.2805G>A, p.Leu935= (NM_001134473.3); c.2898G>A, p.Leu966= (NM_001278184.3).
Identifiers: ClinVar variation 2646942 (VCV002646942.24), dbSNP rs142485822, ClinGen allele CA8215348.

ClinVar aggregate classification (germline): Likely benign (1 of 4 stars; one submission).

Allele frequency attached by ClinVar (database versions not stated): 1000 Genomes Project 30x 0.00047; 1000 Genomes Project 0.00060; ExAC 0.00265; gnomAD 0.00267; TOPMed 0.00271; ESP Exome Variant Server 0.00354.
gnomAD v4.1: 6,367 of 1,613,742 alleles (0.39%); highest among the groups gnomAD compares: Non-Finnish European, 0.46%; 22 homozygotes.

Submission:

CeGaT Center for Human Genetics Tuebingen
Classification: Likely benign. Last evaluated: 2023-04-01. Review status: criteria provided, single submitter. Criteria: CeGaT Center For Human Genetics Tuebingen Variant Classification Criteria Version 2. Collection method: clinical testing. Allele origin: germline. Affected: yes. Observed: 1 variant allele.
Comment: GSE1: BP4, BP7